The following is an entry in ClinVar:

ClinVar aggregate classification (germline): Uncertain significance (1 of 4 stars; one submission).

Conditions:
Dilated cardiomyopathy 1G (CMD1G). Identifiers: Orphanet 154, MedGen C1858763, MONDO:0011400, OMIM 604145.
Autosomal recessive limb-girdle muscular dystrophy type 2J (LGMDR10). Also called: Limb-girdle muscular dystrophy, type 2J; MUSCULAR DYSTROPHY, LIMB-GIRDLE, AUTOSOMAL RECESSIVE 10. Identifiers: Orphanet 140922, MedGen C1837342, MONDO:0012127, OMIM 608807.

Submission:

Labcorp Genetics (formerly Invitae), Labcorp
Classification: Uncertain significance for Dilated cardiomyopathy 1G; Autosomal recessive limb-girdle muscular dystrophy type 2J. Last evaluated: 2018-11-28. Review status: criteria provided, single submitter. Criteria: Invitae Variant Classification Sherloc (09022015). Collection method: clinical testing. Allele origin: germline.
Comment: In summary, the available evidence is currently insufficient to determine the role of this variant in disease. Therefore, it has been classified as a Variant of Uncertain Significance. This variant has not been reported in the literature in individuals with TTN-related conditions. This variant is not present in population databases (ExAC no frequency). This sequence change replaces threonine with alanine at codon 31764 of the TTN protein (p.Thr31764Ala). There is a small physicochemical difference between threonine and alanine. Algorithms developed to predict the effect of missense changes on protein structure and function are unavailable for the TTN gene. This variant is located in the A band of TTN (PMID: 25589632). Variants in this region may be relevant for cardiac or neuromuscular disorders (PMID: 25589632, 23975875).

Literature cited by the submitters: PubMed 25589632; PubMed 23975875.

NM_001267550.2(TTN):c.95290A>G (p.Thr31764Ala)

Genes: TTN (titin; minus strand), TTN-AS1 (TTN antisense RNA 1; plus strand). Cytogenetic location: 2q31.2.
Variant type: single nucleotide variant.
Coding change: c.95290A>G on transcript NM_001267550.2 (MANE Select); coding-DNA position 95290, A replaced by G.
Protein change: p.Thr31764Ala; replaces threonine 31764 with alanine.
Molecular consequence: missense variant.
Genome position (GRCh38, 1-based): chr2:178,545,946, T>C on the plus strand (A>G on the coding strand, the complement: TTN is on the minus strand). VCF-style: chr2-178545946-T-C. GRCh37 (hg19) VCF-style: chr2-179410673-T-C.
Other names: c.90367A>G, p.Thr30123Ala (NM_001256850.1); c.68095A>G, p.Thr22699Ala (NM_003319.4); c.87586A>G, p.Thr29196Ala (NM_133378.4); c.68470A>G, p.Thr22824Ala (NM_133432.3); c.68671A>G, p.Thr22891Ala (NM_133437.4); short protein forms T22699A, T22824A, T30123A, T22891A, T31764A, T29196A.
Identifiers: ClinVar variation 647547 (VCV000647547.7), dbSNP rs1175551497, ClinGen allele CA349463212.